The following is an entry in ClinVar:

NM_000352.6(ABCC8):c.3661C>T (p.Arg1221Trp)

Gene: ABCC8 (ATP binding cassette subfamily C member 8; minus strand). Cytogenetic location: 11p15.1.
Variant type: single nucleotide variant.
Coding change: c.3661C>T on transcript NM_000352.6 (MANE Select); coding-DNA position 3661, C replaced by T.
Protein change: p.Arg1221Trp; replaces arginine 1221 with tryptophan.
Molecular consequence: missense variant. On other transcripts: non-coding transcript variant (1).
Genome position (GRCh38, 1-based): chr11:17,398,431, G>A on the plus strand (C>T on the coding strand, the complement: ABCC8 is on the minus strand). VCF-style: chr11-17398431-G-A. GRCh37 (hg19) VCF-style: chr11-17419978-G-A.
Other names: c.3661C>T (NM_000352.4); c.3664C>T, p.Arg1222Trp (NM_001287174.3); c.3727C>T, p.Arg1243Trp (NM_001351295.2); c.3661C>T, p.Arg1221Trp (NM_001351296.2); c.3658C>T, p.Arg1220Trp (NM_001351297.2); short protein forms R1220W, R1221W, R1222W, R1243W.
Identifiers: ClinVar variation 989961 (VCV000989961.3), dbSNP rs567382793, ClinGen allele CA5902733.

ClinVar aggregate classification (germline): Uncertain significance. Review status: criteria provided, single submitter (1 of 4 stars). 2 submissions from 2 submitters: Uncertain significance (1). 1 of the submissions does not count toward it. Last evaluated 2022-09-16.

Conditions:
Hereditary hyperinsulinism.
Hyperinsulinemic hypoglycemia, familial, 1 (HHF1). Also called: Persistent hyperinsulinemic hypoglycemia of infancy; Persistent Hyperinsulinemia Hypoglycemia of Infancy; HYPERINSULINISM, FAMILIAL, WITH PANCREATIC NESIDIOBLASTOSIS; HYPOGLYCEMIA, HYPERINSULINEMIC, OF INFANCY; NESIDIOBLASTOSIS OF PANCREAS. Identifiers: Orphanet 276575, Orphanet 276598, MedGen C2931832, MONDO:0009734, OMIM 256450.

Allele frequency attached by ClinVar (database versions not stated): gnomAD exomes below 0.00001; TOPMed below 0.00001; ExAC 0.00001; gnomAD 0.00001; 1000 Genomes Project 30x 0.00016; 1000 Genomes Project 0.00020.
gnomAD v4.1: 7 of 1,614,066 alleles (0.00043%); highest among the groups gnomAD compares: Admixed American, 0.0033%; no homozygotes.

Submissions (2):

New York Genome Center
Classification: Uncertain significance for Hyperinsulinemic hypoglycemia, familial, 1; Type 2 diabetes mellitus. Last evaluated: 2022-09-16. Review status: criteria provided, single submitter. Criteria: NYGC Assertion Criteria 2020. Collection method: clinical testing. Allele origin: germline. Observed: 1 heterozygote.
Comment: The c.3661C>T variant is observed in 3 alleles (~0.0004% minor allele frequency with 0 homozygotes) in population databases (gnomAD v2.1.1 and v3.1.2, TOPMed Freeze8), suggesting it is not a common benign variant in the populations represented in those databases. The c.3661C>T variant in ABCC8 is located in exon 30 of this 39-exon gene, and predicted to replace an evolutionarily conserved arginine amino acid with tryptophan at position 1221 in the ABC transmembrane type-1 2 domainof the encoded protein. In silico predictions are in favor of damaging effect for p.(Arg1221Trp) [(CADD v1.6 = 32, REVEL = 0.736)]; however, there are no functional studies to support or refute these predictions. Based on available evidence this c.3661C>T p.(Arg1221Trp) variant identified in ABCC8 is classified as a Variant of Uncertain Significance.

Natera, Inc.
Classification: Uncertain significance for Hereditary hyperinsulinism. Last evaluated: 2020-08-28. Review status: no assertion criteria provided. Collection method: clinical testing. Allele origin: germline. Not counted in ClinVar's aggregate classification.